The following is an entry in ClinVar:

NM_000214.3(JAG1):c.3284A>G (p.Lys1095Arg)

Gene: JAG1 (jagged canonical Notch ligand 1; minus strand). Cytogenetic location: 20p12.2.
Variant type: single nucleotide variant.
Coding change: c.3284A>G on transcript NM_000214.3 (MANE Select); coding-DNA position 3284, A replaced by G.
Protein change: p.Lys1095Arg; replaces lysine 1095 with arginine.
Molecular consequence: missense variant.
Genome position (GRCh38, 1-based): chr20:10,639,871, T>C on the plus strand (A>G on the coding strand, the complement: JAG1 is on the minus strand). VCF-style: chr20-10639871-T-C. GRCh37 (hg19) VCF-style: chr20-10620519-T-C.
Other names: short protein forms K1095R.
Identifiers: ClinVar variation 2452644 (VCV002452644.5), dbSNP rs748060377, ClinGen allele CA9764235.

ClinVar aggregate classification (germline): Conflicting classifications of pathogenicity. Review status: criteria provided, conflicting classifications (1 of 4 stars). 2 submissions from 2 submitters: Uncertain significance (1); Likely benign (1). Last evaluated 2022-12-17.

Conditions:
Cardiovascular phenotype. Identifiers: MedGen CN230736.
Alagille syndrome due to a JAG1 point mutation. Also called: Alagille Syndrome 1; JAG1-Related Alagille Syndrome; HEPATIC DUCTULAR HYPOPLASIA, SYNDROMATIC. Identifiers: Orphanet 261619, Orphanet 52, MedGen C1956125, MONDO:0016862, OMIM 118450.

Allele frequency attached by ClinVar (database versions not stated): TOPMed below 0.00001; ExAC 0.00001; gnomAD 0.00001; gnomAD exomes 0.00001.

Submissions (2):

Ambry Genetics
Classification: Uncertain significance for Cardiovascular phenotype. Last evaluated: 2022-12-17. Review status: criteria provided, single submitter. Criteria: Ambry Variant Classification Scheme 2023. Collection method: clinical testing. Allele origin: germline.
Comment: The p.K1095R variant (also known as c.3284A>G), located in coding exon 26 of the JAG1 gene, results from an A to G substitution at nucleotide position 3284. The lysine at codon 1095 is replaced by arginine, an amino acid with highly similar properties. This amino acid position is conserved. In addition, this alteration is predicted to be tolerated by in silico analysis. Since supporting evidence is limited at this time, the clinical significance of this alteration remains unclear.

Labcorp Genetics (formerly Invitae), Labcorp
Classification: Likely benign for Alagille syndrome due to a JAG1 point mutation. Last evaluated: 2022-11-11. Review status: criteria provided, single submitter. Criteria: Invitae Variant Classification Sherloc (09022015). Collection method: clinical testing. Allele origin: germline.